The following is an entry in ClinVar:

ClinVar aggregate classification (germline): Uncertain significance (1 of 4 stars; one submission).

Conditions:
Inborn genetic diseases. Identifiers: MedGen C0950123, MeSH D030342.

gnomAD v4.1: 4 of 1,614,032 alleles (0.00025%); highest among the groups gnomAD compares: East Asian, 0.0089%; no homozygotes.

Submission:

Ambry Genetics
Classification: Uncertain significance for Inborn genetic diseases. Last evaluated: 2025-12-15. Review status: criteria provided, single submitter. Criteria: Ambry Variant Classification Scheme 2023. Collection method: clinical testing. Allele origin: germline.
Comment: The c.427A>G (p.T143A) alteration is located in exon 4 (coding exon 3) of the SETD1A gene. This alteration results from a A to G substitution at nucleotide position 427, causing the threonine (T) at amino acid position 143 to be replaced by an alanine (A). Based on data from gnomAD, the G allele has an overall frequency of <0.001% (1/251294) total alleles studied. The highest observed frequency was 0.005% (1/18386) of East Asian alleles. Based on insufficient or conflicting evidence, the clinical significance of this alteration remains unclear.

NM_014712.3(SETD1A):c.427A>G (p.Thr143Ala)

Gene: SETD1A (SET domain containing 1A, histone lysine methyltransferase; plus strand). Cytogenetic location: 16p11.2.
Variant type: single nucleotide variant.
Coding change: c.427A>G on transcript NM_014712.3 (MANE Select); coding-DNA position 427, A replaced by G.
Protein change: p.Thr143Ala; replaces threonine 143 with alanine.
Molecular consequence: missense variant.
Genome position (GRCh38, 1-based): chr16:30,961,447, A>G. VCF-style: chr16-30961447-A-G. GRCh37 (hg19) VCF-style: chr16-30972768-A-G.
Other names: short protein forms T143A.
Identifiers: ClinVar variation 4837462 (VCV004837462.1).